The following is an entry in ClinVar:

NM_012208.4(HARS2):c.-2C>G

Genes: HARS2 (histidyl-tRNA synthetase 2, mitochondrial; plus strand), LOC119407423 (HARS1 and HARS2 bidirectional promoter region; plus strand). Cytogenetic location: 5q31.3.
Variant type: single nucleotide variant.
Coding change: c.-2C>G on transcript NM_012208.4 (MANE Select); 2 bases upstream of the start codon, C replaced by G.
Molecular consequence: 5 prime UTR variant. On other transcripts: intron variant (1).
Genome position (GRCh38, 1-based): chr5:140,691,647, C>G. VCF-style: chr5-140691647-C-G. GRCh37 (hg19) VCF-style: chr5-140071232-C-G.
Other names: c.-2C>G (NM_001278731.2, NM_001363535.2); c.-312C>G (NM_001278732.2); c.-326+132C>G (NM_001363536.2).
Identifiers: ClinVar variation 4887147 (VCV004887147.1).
Genomic context (GRCh38, chr5:140,691,647, plus strand): 5'-CTGACCCGCCTCCTTCCCAGGCCTTTTGTTCCTGTCCCGGAAAGCCGGCGTCCTGCCGCG[C>G]GATGCCCCTGCTCGGACTTCTTCCCAGGAGGGCCTGGGCTTCGCTGCTCAGCCAGCTCCT-3'

ClinVar aggregate classification (germline): Uncertain significance (1 of 4 stars; one submission).

gnomAD v4.1: 1 of 1,545,954 alleles (0.000065%); highest among the groups gnomAD compares: Middle Eastern, 0.017%; no homozygotes.

Submission:

Women's Health and Genetics/Laboratory Corporation of America, LabCorp
Classification: Uncertain significance. Last evaluated: 2026-06-18. Review status: criteria provided, single submitter. Criteria: LabCorp Variant Classification Summary - May 2015. Collection method: clinical testing. Allele origin: germline.
Comment: Variant summary: HARS2 c.-2C>G is located in the untranslated mRNA region upstream of the initiation codon. The variant allele was found at a frequency of 6.5e-06 in 153302 control chromosomes. The available data on variant occurrences in the general population are insufficient to allow any conclusion about variant significance. To our knowledge, no occurrence of c.-2C>G in individuals affected with HARS2-related conditions and no experimental evidence demonstrating its impact on protein function have been reported. No submitters have cited clinical-significance assessments for this variant to ClinVar. Based on the evidence outlined above, the variant was classified as uncertain significance.